The following is an entry in ClinVar:

ClinVar aggregate classification (germline): Conflicting classifications of pathogenicity. Review status: criteria provided, conflicting classifications (1 of 4 stars). 5 submissions from 4 submitters: Uncertain significance (2); Benign (1); Likely benign (2). Last evaluated 2026-03-24.

Conditions:
DYNC1H1-related disorder. Also called: DYNC1H1-related disorders; DYNC1H1-related condition. Identifiers: MedGen CN381529.
Autosomal dominant cerebellar ataxia. Also called: Spinocerebellar Ataxia, Dominant. Identifiers: Orphanet 99, MedGen C4087347, MONDO:0020380.
Charcot-Marie-Tooth disease axonal type 2O. Also called: Charcot-Marie-Tooth Neuropathy Type 2O; CHARCOT-MARIE-TOOTH NEUROPATHY, AXONAL, TYPE 2O; CHARCOT-MARIE-TOOTH DISEASE, AXONAL, AUTOSOMAL DOMINANT, TYPE 2O; Charcot-Marie-Tooth disease, axonal, type 20. Identifiers: Orphanet 284232, MedGen C3280220, MONDO:0013644, OMIM 614228.

Allele frequency attached by ClinVar (database versions not stated): gnomAD exomes 0.00003 and 0.00008; gnomAD 0.00005; TOPMed 0.00005; ExAC 0.00006; 1000 Genomes Project 30x 0.00016; 1000 Genomes Project 0.00020.
gnomAD v4.1: 62 of 1,614,232 alleles (0.0038%); highest among the groups gnomAD compares: Admixed American, 0.0017%; no homozygotes.

Submissions (5):

PreventionGenetics, part of Exact Sciences
Classification: Likely benign for DYNC1H1-related condition. Last evaluated: 2026-03-24. Review status: criteria provided, single submitter. Criteria: ACMG Guidelines, 2015. Collection method: clinical testing. Allele origin: germline.
Comment: This variant is classified as likely benign based on ACMG/AMP sequence variant interpretation guidelines (Richards et al. 2015 PMID: 25741868, with internal and published modifications).

Labcorp Genetics (formerly Invitae), Labcorp
Classification: Benign for Charcot-Marie-Tooth disease axonal type 2O. Last evaluated: 2025-11-24. Review status: criteria provided, single submitter. Criteria: Invitae Variant Classification Sherloc (09022015). Collection method: clinical testing. Allele origin: germline.

Illumina Laboratory Services, Illumina
Classification: Uncertain significance for Charcot-Marie-Tooth disease axonal type 2O. Last evaluated: 2018-01-12. Review status: criteria provided, single submitter. Criteria: ICSL Variant Classification Criteria 13 December 2019. Collection method: clinical testing. Allele origin: germline.

Illumina Laboratory Services, Illumina
Classification: Uncertain significance for Spinocerebellar Ataxia, Dominant. Last evaluated: 2018-01-12. Review status: criteria provided, single submitter. Criteria: ICSL Variant Classification Criteria 13 December 2019. Collection method: clinical testing. Allele origin: germline.

GeneDx
Classification: Likely benign. Last evaluated: 2016-05-03. Review status: criteria provided, single submitter. Criteria: GeneDx Variant Classification (06012015). Collection method: clinical testing. Allele origin: germline. Affected: yes.
Comment: This variant is considered likely benign or benign based on one or more of the following criteria: it is a conservative change, it occurs at a poorly conserved position in the protein, it is predicted to be benign by multiple in silico algorithms, and/or has population frequency not consistent with disease.

NM_001376.5(DYNC1H1):c.11913C>G (p.Pro3971=)

Gene: DYNC1H1 (dynein cytoplasmic 1 heavy chain 1; plus strand). Cytogenetic location: 14q32.31.
Variant type: single nucleotide variant.
Coding change: c.11913C>G on transcript NM_001376.5 (MANE Select); coding-DNA position 11913, C replaced by G.
Protein change: p.Pro3971=; no amino-acid change (proline 3971 retained).
Molecular consequence: synonymous variant.
Genome position (GRCh38, 1-based): chr14:102,040,645, C>G. VCF-style: chr14-102040645-C-G. GRCh37 (hg19) VCF-style: chr14-102506982-C-G.
Identifiers: ClinVar variation 312654 (VCV000312654.17), dbSNP rs201174299, ClinGen allele CA7353773.